The following is an entry in ClinVar:

ClinVar aggregate classification (germline): Uncertain significance (1 of 4 stars; one submission).

Submission:

Ambry Genetics
Classification: Uncertain significance. Last evaluated: 2021-12-30. Review status: criteria provided, single submitter. Criteria: Ambry Variant Classification Scheme 2023. Collection method: clinical testing. Allele origin: germline.
Comment: The p.S98R variant (also known as c.294C>G), located in coding exon 5 of the NPAT gene, results from a C to G substitution at nucleotide position 294. The serine at codon 98 is replaced by arginine, an amino acid with dissimilar properties. This amino acid position is conserved. In addition, the in silico prediction for this alteration is inconclusive. Since supporting evidence is limited at this time, the clinical significance of this alteration remains unclear.

NM_002519.3(NPAT):c.294C>G (p.Ser98Arg)

Gene: NPAT (nuclear protein, coactivator of histone transcription; minus strand). Cytogenetic location: 11q22.3.
Variant type: single nucleotide variant.
Coding change: c.294C>G on transcript NM_002519.3 (MANE Select); coding-DNA position 294, C replaced by G.
Protein change: p.Ser98Arg; replaces serine 98 with arginine.
Molecular consequence: missense variant.
Genome position (GRCh38, 1-based): chr11:108,190,497, G>C on the plus strand (C>G on the coding strand, the complement: NPAT is on the minus strand). VCF-style: chr11-108190497-G-C. GRCh37 (hg19) VCF-style: chr11-108061224-G-C.
Other names: c.294C>G, p.Ser98Arg (NM_001321307.1); short protein forms S98R.
Identifiers: ClinVar variation 1798020 (VCV001798020.2), dbSNP rs2496748567, ClinGen allele CA382526367.